The following is an entry in ClinVar:

NM_014484.5(MOCS3):c.992G>T (p.Ser331Ile)

Gene: MOCS3 (molybdenum cofactor synthesis 3; plus strand). Cytogenetic location: 20q13.13.
Variant type: single nucleotide variant.
Coding change: c.992G>T on transcript NM_014484.5 (MANE Select); coding-DNA position 992, G replaced by T.
Protein change: p.Ser331Ile; replaces serine 331 with isoleucine.
Molecular consequence: missense variant.
Genome position (GRCh38, 1-based): chr20:50,959,834, G>T. VCF-style: chr20-50959834-G-T. GRCh37 (hg19) VCF-style: chr20-49576371-G-T.
Other names: short protein forms S331I.
Identifiers: ClinVar variation 2968404 (VCV002968404.3), dbSNP rs1349565609, ClinGen allele CA408985396.
Genomic context (GRCh38, chr20:50,959,834, plus strand): 5'-ACTATGAAGCCTTCTGTGGCTCCTCAGCCACTGATAAATGCCGCTCCCTGCAACTACTGA[G>T]CCCAGAGGAGCGTGTTTCTGTCACCGACTATAAGCGACTGCTGGATTCTGGGGCATTCCA-3'
Protein context (NP_055299.1, residues 321-341): TDKCRSLQLL[Ser331Ile]PEERVSVTDY

ClinVar aggregate classification (germline): Uncertain significance (1 of 4 stars; one submission).

Allele frequency attached by ClinVar (database versions not stated): gnomAD 0.00002; TOPMed 0.00003.
gnomAD v4.1: 6 of 1,614,130 alleles (0.00037%); highest among the groups gnomAD compares: African/African-American, 0.0067%; no homozygotes.

Submission:

Labcorp Genetics (formerly Invitae), Labcorp
Classification: Uncertain significance. Last evaluated: 2023-10-18. Review status: criteria provided, single submitter. Criteria: Invitae Variant Classification Sherloc (09022015). Collection method: clinical testing. Allele origin: germline.
Comment: This sequence change replaces serine, which is neutral and polar, with isoleucine, which is neutral and non-polar, at codon 331 of the MOCS3 protein (p.Ser331Ile). This variant is not present in population databases (gnomAD no frequency). This variant has not been reported in the literature in individuals affected with MOCS3-related conditions. An algorithm developed to predict the effect of missense changes on protein structure and function (PolyPhen-2) suggests that this variant is likely to be tolerated. In summary, the available evidence is currently insufficient to determine the role of this variant in disease. Therefore, it has been classified as a Variant of Uncertain Significance.